The following is an entry in ClinVar:

ClinVar aggregate classification (germline): Likely benign. Review status: criteria provided, multiple submitters, no conflicts (2 of 4 stars). 2 submissions from 2 submitters: Likely benign (2). Last evaluated 2024-11-13.

Allele frequency attached by ClinVar (database versions not stated): ExAC 0.00002; gnomAD exomes 0.00002; gnomAD 0.00001; TOPMed below 0.00001.
gnomAD v4.1: 37 of 1,612,926 alleles (0.0023%); highest among the groups gnomAD compares: Middle Eastern, 0.15%; no homozygotes.

Submissions (2):

Blueprint Genetics
Classification: Likely benign. Last evaluated: 2024-11-13. Review status: criteria provided, single submitter. Criteria: ACMG Guidelines, 2015. Collection method: clinical testing. Allele origin: germline.

CeGaT Center for Human Genetics Tuebingen
Classification: Likely benign. Last evaluated: 2022-10-01. Review status: criteria provided, single submitter. Criteria: CeGaT Center For Human Genetics Tuebingen Variant Classification Criteria Version 2. Collection method: clinical testing. Allele origin: germline. Affected: yes. Observed: 2 variant alleles.
Comment: XPO5: BP4, BP7

NM_020750.3(XPO5):c.1932G>A (p.Glu644=)

Genes: POLR1C (RNA polymerase I and III subunit C; plus strand), XPO5 (exportin 5; minus strand). Cytogenetic location: 6p21.1.
Variant type: single nucleotide variant.
Coding change: c.1932G>A on transcript NM_020750.3 (MANE Select); coding-DNA position 1932, G replaced by A.
Protein change: p.Glu644=; no amino-acid change (glutamic acid 644 retained).
Molecular consequence: synonymous variant. On other transcripts: non-coding transcript variant (1), intron variant (1).
Genome position (GRCh38, 1-based): chr6:43,548,389, C>T on the plus strand (G>A on the coding strand, the complement: XPO5 is on the minus strand). VCF-style: chr6-43548389-C-T. GRCh37 (hg19) VCF-style: chr6-43516126-C-T.
Other names: c.923-2579C>T (NM_001363658.2).
Identifiers: ClinVar variation 2656606 (VCV002656606.23), dbSNP rs747169486, ClinGen allele CA3826277.